The following is an entry in ClinVar:

ClinVar aggregate classification (germline): Uncertain significance (1 of 4 stars; one submission).

Submission:

Labcorp Genetics (formerly Invitae), Labcorp
Classification: Uncertain significance. Last evaluated: 2024-07-15. Review status: criteria provided, single submitter. Criteria: Invitae Variant Classification Sherloc (09022015). Collection method: clinical testing. Allele origin: germline.
Comment: This sequence change replaces glycine, which is neutral and non-polar, with cysteine, which is neutral and slightly polar, at codon 1107 of the LAMA1 protein (p.Gly1107Cys). The frequency data for this variant in the population databases is considered unreliable, as metrics indicate poor data quality at this position in the gnomAD database. This variant has not been reported in the literature in individuals affected with LAMA1-related conditions. ClinVar contains an entry for this variant (Variation ID: 1473356). Advanced modeling of protein sequence and biophysical properties (such as structural, functional, and spatial information, amino acid conservation, physicochemical variation, residue mobility, and thermodynamic stability) performed at Invitae indicates that this missense variant is expected to disrupt LAMA1 protein function with a positive predictive value of 80%. In summary, the available evidence is currently insufficient to determine the role of this variant in disease. Therefore, it has been classified as a Variant of Uncertain Significance.

NM_005559.4(LAMA1):c.3319G>T (p.Gly1107Cys)

Gene: LAMA1 (laminin subunit alpha 1; minus strand). Cytogenetic location: 18p11.31.
Variant type: single nucleotide variant.
Coding change: c.3319G>T on transcript NM_005559.4 (MANE Select); coding-DNA position 3319, G replaced by T.
Protein change: p.Gly1107Cys; replaces glycine 1107 with cysteine.
Molecular consequence: missense variant.
Genome position (GRCh38, 1-based): chr18:7,013,859, C>A on the plus strand (G>T on the coding strand, the complement: LAMA1 is on the minus strand). VCF-style: chr18-7013859-C-A. GRCh37 (hg19) VCF-style: chr18-7013858-C-A.
Other names: short protein forms G1107C.
Identifiers: ClinVar variation 1473356 (VCV001473356.8), dbSNP rs767546123, ClinGen allele CA8882331.